The following is an entry in ClinVar:

NM_001199107.2(TBC1D24):c.1321C>T (p.Arg441Cys)

Gene: TBC1D24 (TBC1 domain family member 24; plus strand). Cytogenetic location: 16p13.3.
Variant type: single nucleotide variant.
Coding change: c.1321C>T on transcript NM_001199107.2 (MANE Select); coding-DNA position 1321, C replaced by T.
Protein change: p.Arg441Cys; replaces arginine 441 with cysteine.
Molecular consequence: missense variant.
Genome position (GRCh38, 1-based): chr16:2,500,286, C>T. VCF-style: chr16-2500286-C-T. GRCh37 (hg19) VCF-style: chr16-2550287-C-T.
Other names: c.1303C>T, p.Arg435Cys (NM_020705.3); short protein forms R435C, R441C.
Identifiers: ClinVar variation 649192 (VCV000649192.19), dbSNP rs775497984, ClinGen allele CA7844270.

ClinVar aggregate classification (germline): Conflicting classifications of pathogenicity. Review status: criteria provided, conflicting classifications (1 of 4 stars). 7 submissions from 7 submitters: Likely pathogenic (3); Uncertain significance (4). Last evaluated 2025-09-08.

Conditions:
Inborn genetic diseases. Identifiers: MedGen C0950123, MeSH D030342.
Developmental and epileptic encephalopathy, 1 (DEE1). Also called: X-linked infantile spasms; West's syndrome; Tonic spasms with clustering, arrest of psychomotor development and hypsarrhythmia on EEG; X-Linked Infantile Spasm Syndrome; OHTAHARA SYNDROME, X-LINKED; INFANTILE SPASM SYNDROME, X-LINKED 1. Identifiers: MedGen C3463992, MONDO:0010632, OMIM 308350. Disease mechanism: loss of function.
Autosomal dominant nonsyndromic hearing loss 65. Also called: Deafness, autosomal dominant 65; TBC1D24-Related Autosomal Dominant Nonsyndromic Hearing Loss (DFNA). Identifiers: Orphanet 90635, MedGen C3892048, MONDO:0014470, OMIM 616044.
Autosomal recessive nonsyndromic hearing loss 86 (DFNB86). Also called: Deafness , autosomal recessive 86; TBC1D24-Related Autosomal Recessive Nonsyndromic Hearing Loss (DFNB). Identifiers: Orphanet 90636, MedGen C2829265, MONDO:0013826, OMIM 614617.
TBC1D24-related disorder. Also called: TBC1D24-related disorders; TBC1D24-related condition. Identifiers: MedGen CN381194.

Allele frequency attached by ClinVar (database versions not stated): ExAC 0.00001; gnomAD 0.00001; gnomAD exomes 0.00001.
gnomAD v4.1: 29 of 1,607,462 alleles (0.0018%); highest among the groups gnomAD compares: East Asian, 0.0022%; no homozygotes.

Submissions (7):

Labcorp Genetics (formerly Invitae), Labcorp
Classification: Uncertain significance for Developmental and epileptic encephalopathy, 1; Autosomal dominant nonsyndromic hearing loss 65. Last evaluated: 2025-09-08. Review status: criteria provided, single submitter. Criteria: Invitae Variant Classification Sherloc (09022015). Collection method: clinical testing. Allele origin: germline.
Comment: This sequence change replaces arginine, which is basic and polar, with cysteine, which is neutral and slightly polar, at codon 441 of the TBC1D24 protein (p.Arg441Cys). This variant is present in population databases (rs775497984, gnomAD 0.005%). This variant has not been reported in the literature in individuals affected with TBC1D24-related conditions. ClinVar contains an entry for this variant (Variation ID: 649192). Invitae Evidence Modeling of protein sequence and biophysical properties (such as structural, functional, and spatial information, amino acid conservation, physicochemical variation, residue mobility, and thermodynamic stability) indicates that this missense variant is expected to disrupt TBC1D24 protein function with a positive predictive value of 95%. In summary, the available evidence is currently insufficient to determine the role of this variant in disease. Therefore, it has been classified as a Variant of Uncertain Significance.

Women's Health and Genetics/Laboratory Corporation of America, LabCorp
Classification: Uncertain significance. Last evaluated: 2025-04-21. Review status: criteria provided, single submitter. Criteria: LabCorp Variant Classification Summary - May 2015. Collection method: clinical testing. Allele origin: germline.
Comment: Variant summary: TBC1D24 c.1321C>T (p.Arg441Cys) results in a non-conservative amino acid change in the encoded protein sequence. Four of five in-silico tools predict a damaging effect of the variant on protein function. The variant allele was found at a frequency of 1.3e-05 in 229804 control chromosomes. The available data on variant occurrences in the general population are insufficient to allow any conclusion about variant significance. To our knowledge, no occurrence of c.1321C>T in individuals affected with TBC1D24-Related Disorders and no experimental evidence demonstrating its impact on protein function have been reported. ClinVar contains an entry for this variant (Variation ID: 649192). Based on the evidence outlined above, the variant was classified as uncertain significance.

Institute of Rare Diseases, West China Hospital, Sichuan University
Classification: Likely pathogenic for Autosomal recessive nonsyndromic hearing loss 86. Last evaluated: 2025-01-09. Review status: criteria provided, single submitter. Criteria: ClinGen HL ACMG Specifications v1. Collection method: research. Allele origin: germline. Affected: yes.

Blueprint Genetics
Classification: Likely pathogenic for TBC1D24-related disorders. Last evaluated: 2023-11-02. Review status: criteria provided, single submitter. Criteria: ACMG Guidelines, 2015. Collection method: clinical testing. Allele origin: germline. Affected: yes. Observed: 5 variant alleles.

GeneDx
Classification: Uncertain significance. Last evaluated: 2022-04-11. Review status: criteria provided, single submitter. Criteria: GeneDx Variant Classification Process June 2021. Collection method: clinical testing. Allele origin: germline. Affected: yes.
Comment: Not observed at significant frequency in large population cohorts (gnomAD); In silico analysis, which includes protein predictors and evolutionary conservation, supports a deleterious effect; Has not been previously published as pathogenic or benign to our knowledge

Laboratoire Génétique Moléculaire, CHRU TOURS
Classification: Likely pathogenic. Last evaluated: 2021-04-01. Review status: criteria provided, single submitter. Criteria: ACMG Guidelines, 2015. Collection method: clinical testing. Allele origin: paternal. Affected: yes.

Ambry Genetics
Classification: Uncertain significance for Inborn genetic diseases. Last evaluated: 2018-04-06. Review status: criteria provided, single submitter. Criteria: Ambry Variant Classification Scheme 2023. Collection method: clinical testing. Allele origin: germline.
Comment: The p.R441C variant (also known as c.1321C>T), located in coding exon 6 of the TBC1D24 gene, results from a C to T substitution at nucleotide position 1321. The arginine at codon 441 is replaced by cysteine, an amino acid with highly dissimilar properties. This amino acid position is highly conserved in available vertebrate species. In addition, the in silico prediction for this alteration is inconclusive. Since supporting evidence is limited at this time, the clinical significance of this alteration remains unclear.